The following is an entry in ClinVar:

ClinVar aggregate classification (germline): Uncertain significance. Review status: criteria provided, multiple submitters, no conflicts (2 of 4 stars). 4 submissions from 4 submitters: Uncertain significance (4). Last evaluated 2025-10-15.

Conditions:
TNF receptor-associated periodic fever syndrome (TRAPS) (FPF). Also called: TNF Receptor-Associated Periodic Fever Syndrome; FAMILIAL HIBERNIAN FEVER; TNF RECEPTOR-ASSOCIATED PERIODIC SYNDROME; TUMOR NECROSIS FACTOR RECEPTOR-ASSOCIATED PERIODIC SYNDROME; TNF receptor 1-associated periodic fever syndrome; Autosomal Dominant Familial Periodic Fever. Identifiers: Orphanet 32960, MedGen C1275126, MONDO:0007727, OMIM 142680.
Multiple sclerosis, susceptibility to, 5 (MS5). Identifiers: MedGen C3553728, MONDO:0013893, OMIM 614810.

Allele frequency attached by ClinVar (database versions not stated): gnomAD exomes 0.00004; ESP Exome Variant Server 0.00008; gnomAD 0.00017 and 0.00018; TOPMed 0.00017; 1000 Genomes Project 30x 0.00031; 1000 Genomes Project 0.00040.
gnomAD v4.1: 76 of 1,613,640 alleles (0.0047%); highest among the groups gnomAD compares: African/African-American, 0.068%; no homozygotes.

Submissions (4):

Labcorp Genetics (formerly Invitae), Labcorp
Classification: Uncertain significance for TNF receptor-associated periodic fever syndrome (TRAPS). Last evaluated: 2025-10-15. Review status: criteria provided, single submitter. Criteria: Invitae Variant Classification Sherloc (09022015). Collection method: clinical testing. Allele origin: germline.
Comment: This sequence change replaces valine, which is neutral and non-polar, with methionine, which is neutral and non-polar, at codon 154 of the TNFRSF1A protein (p.Val154Met). This variant is present in population databases (rs201083197, gnomAD 0.08%), and has an allele count higher than expected for a pathogenic variant. This missense change has been observed in individual(s) with clinical features of a periodic fever syndrome (PMID: 27332769). This variant is also known as V125M. ClinVar contains an entry for this variant (Variation ID: 881907). Invitae Evidence Modeling of protein sequence and biophysical properties (such as structural, functional, and spatial information, amino acid conservation, physicochemical variation, residue mobility, and thermodynamic stability) has been performed for this missense variant. However, the output from this modeling did not meet the statistical confidence thresholds required to predict the impact of this variant on TNFRSF1A protein function. Experimental studies are conflicting or provide insufficient evidence to determine the effect of this variant on TNFRSF1A function (PMID: 27332769). In summary, the available evidence is currently insufficient to determine the role of this variant in disease. Therefore, it has been classified as a Variant of Uncertain Significance.

GeneDx
Classification: Uncertain significance. Last evaluated: 2024-10-29. Review status: criteria provided, single submitter. Criteria: GeneDx Variant Classification Process June 2021. Collection method: clinical testing. Allele origin: germline. Affected: yes.
Comment: Observed in one family with suspected TRAPS in published literature; reported as V125M using alternate nomenclature (PMID: 27332769); Functional studies in HEK293 cells transfected with constructs including the V154M variant showed normal expression pattern; no other pathophysiological effects were studied (PMID: 27332769); In silico analysis indicates that this missense variant does not alter protein structure/function; Also known as p.V125M; This variant is associated with the following publications: (PMID: 27332769)

Fulgent Genetics
Classification: Uncertain significance for TNF receptor-associated periodic fever syndrome (TRAPS); Multiple sclerosis, susceptibility to, 5. Last evaluated: 2022-04-15. Review status: criteria provided, single submitter. Criteria: ACMG Guidelines, 2015. Collection method: clinical testing. Allele origin: unknown.

Illumina Laboratory Services, Illumina
Classification: Uncertain significance for TNF receptor-associated periodic fever syndrome (TRAPS). Last evaluated: 2018-01-13. Review status: criteria provided, single submitter. Criteria: ICSL Variant Classification Criteria 13 December 2019. Collection method: clinical testing. Allele origin: germline.

Literature cited by the submitters: PubMed 27332769 (cited by Labcorp Genetics (formerly Invitae), Labcorp).

NM_001065.4(TNFRSF1A):c.460G>A (p.Val154Met)

Gene: TNFRSF1A (TNF receptor superfamily member 1A; minus strand). Cytogenetic location: 12p13.31.
Variant type: single nucleotide variant.
Coding change: c.460G>A on transcript NM_001065.4 (MANE Select); coding-DNA position 460, G replaced by A.
Protein change: p.Val154Met; replaces valine 154 with methionine.
Molecular consequence: missense variant. On other transcripts: 5 prime UTR variant (1), non-coding transcript variant (1).
Genome position (GRCh38, 1-based): chr12:6,333,379, C>T on the plus strand (G>A on the coding strand, the complement: TNFRSF1A is on the minus strand). VCF-style: chr12-6333379-C-T. GRCh37 (hg19) VCF-style: chr12-6442545-C-T.
Other names: c.136G>A, p.Val46Met (NM_001346091.2); c.-118G>A (NM_001346092.2); short protein forms V46M, V154M.
Identifiers: ClinVar variation 881907 (VCV000881907.16), dbSNP rs201083197, ClinGen allele CA6405548.